The following is an entry in ClinVar:

ClinVar aggregate classification (germline): Uncertain significance (1 of 4 stars; one submission).

Conditions:
Fetal akinesia deformation sequence 1 (FADS1). Also called: Pena-Shokeir syndrome type I; Fetal akinesia sequence. Identifiers: Orphanet 994, MedGen C1276035, MONDO:0100101, OMIM 208150, HP:0001989.
Congenital myasthenic syndrome 9. Also called: Myasthenic syndrome, congenital, 9, associated with acetylcholine receptor deficiency. Identifiers: Orphanet 590, MedGen C4225368, MONDO:0014587, OMIM 616325.

Allele frequency attached by ClinVar (database versions not stated): gnomAD 0.00001.
gnomAD v4.1: 1 of 1,613,510 alleles (0.000062%); highest among the groups gnomAD compares: African/African-American, 0.0013%; no homozygotes.

Submission:

Labcorp Genetics (formerly Invitae), Labcorp
Classification: Uncertain significance for Congenital myasthenic syndrome 9; Fetal akinesia deformation sequence 1. Last evaluated: 2021-08-27. Review status: criteria provided, single submitter. Criteria: Invitae Variant Classification Sherloc (09022015). Collection method: clinical testing. Allele origin: germline.
Comment: This sequence change replaces glycine with alanine at codon 81 of the MUSK protein (p.Gly81Ala). The glycine residue is highly conserved and there is a small physicochemical difference between glycine and alanine. This variant is not present in population databases (ExAC no frequency). This variant has not been reported in the literature in individuals affected with MUSK-related conditions. Advanced modeling of protein sequence and biophysical properties (such as structural, functional, and spatial information, amino acid conservation, physicochemical variation, residue mobility, and thermodynamic stability) performed at Invitae indicates that this missense variant is expected to disrupt MUSK protein function. In summary, the available evidence is currently insufficient to determine the role of this variant in disease. Therefore, it has been classified as a Variant of Uncertain Significance.

NM_005592.4(MUSK):c.242G>C (p.Gly81Ala)

Gene: MUSK (muscle associated receptor tyrosine kinase; plus strand). Cytogenetic location: 9q31.3.
Variant type: single nucleotide variant.
Coding change: c.242G>C on transcript NM_005592.4 (MANE Select); coding-DNA position 242, G replaced by C.
Protein change: p.Gly81Ala; replaces glycine 81 with alanine.
Molecular consequence: missense variant.
Genome position (GRCh38, 1-based): chr9:110,687,152, G>C. VCF-style: chr9-110687152-G-C. GRCh37 (hg19) VCF-style: chr9-113449432-G-C.
Other names: c.242G>C, p.Gly81Ala (NM_001166280.2, NM_001166281.2); short protein forms G81A.
Identifiers: ClinVar variation 1513244 (VCV001513244.5), dbSNP rs1644805907, ClinGen allele CA374664274.